The following is an entry in ClinVar:

ClinVar aggregate classification (germline): Uncertain significance (1 of 4 stars; one submission).

Conditions:
Pallister-Hall syndrome (PHS). Also called: HYPOTHALAMIC HAMARTOBLASTOMA, HYPOPITUITARISM, IMPERFORATE ANUS, AND POSTAXIAL POLYDACTYLY; GLI3-Related Pallister-Hall Syndrome. Identifiers: Orphanet 672, MedGen C0265220, MONDO:0007804, OMIM 146510.
Greig cephalopolysyndactyly syndrome (GCPS). Also called: POLYSYNDACTYLY WITH PECULIAR SKULL SHAPE; Greig syndrome; GLI3-Related Greig Cephalopolysyndactyly Syndrome. Identifiers: Orphanet 380, MedGen C0265306, MONDO:0008287, OMIM 175700.

Submission:

Labcorp Genetics (formerly Invitae), Labcorp
Classification: Uncertain significance for Pallister-Hall syndrome; Greig cephalopolysyndactyly syndrome. Last evaluated: 2025-11-02. Review status: criteria provided, single submitter. Criteria: Invitae Variant Classification Sherloc (09022015). Collection method: clinical testing. Allele origin: germline.
Comment: This sequence change replaces serine, which is neutral and polar, with phenylalanine, which is neutral and non-polar, at codon 206 of the GLI3 protein (p.Ser206Phe). This variant is not present in population databases (gnomAD no frequency). This variant has not been reported in the literature in individuals affected with GLI3-related conditions. Invitae Evidence Modeling of protein sequence and biophysical properties (such as structural, functional, and spatial information, amino acid conservation, physicochemical variation, residue mobility, and thermodynamic stability) indicates that this missense variant is not expected to disrupt GLI3 protein function with a negative predictive value of 95%. In summary, the available evidence is currently insufficient to determine the role of this variant in disease. Therefore, it has been classified as a Variant of Uncertain Significance.

NM_000168.6(GLI3):c.617C>T (p.Ser206Phe)

Gene: GLI3 (GLI family zinc finger 3; minus strand). Cytogenetic location: 7p14.1.
Variant type: single nucleotide variant.
Coding change: c.617C>T on transcript NM_000168.6 (MANE Select); coding-DNA position 617, C replaced by T.
Protein change: p.Ser206Phe; replaces serine 206 with phenylalanine.
Molecular consequence: missense variant.
Genome position (GRCh38, 1-based): chr7:42,048,553, G>A on the plus strand (C>T on the coding strand, the complement: GLI3 is on the minus strand). VCF-style: chr7-42048553-G-A. GRCh37 (hg19) VCF-style: chr7-42088152-G-A.
Other names: short protein forms S206F.
Identifiers: ClinVar variation 4792486 (VCV004792486.1).